The following is an entry in ClinVar:

NM_006767.4(LZTR1):c.2481C>A (p.His827Gln)

Gene: LZTR1 (leucine zipper like post translational regulator 1; plus strand). Cytogenetic location: 22q11.21.
Variant type: single nucleotide variant.
Coding change: c.2481C>A on transcript NM_006767.4 (MANE Select); coding-DNA position 2481, C replaced by A.
Protein change: p.His827Gln; replaces histidine 827 with glutamine.
Molecular consequence: missense variant.
Genome position (GRCh38, 1-based): chr22:20,997,306, C>A. VCF-style: chr22-20997306-C-A. GRCh37 (hg19) VCF-style: chr22-21351595-C-A.
Other names: short protein forms H827Q.
Identifiers: ClinVar variation 2447760 (VCV002447760.4), dbSNP rs1924901571, ClinGen allele CA410781812.
Genomic context (GRCh38, chr22:20,997,306, plus strand): 5'-CACCCTGCGGTCGCTGAGCCAGCAGCTGCTGCTGGACATCATAGACTCCCTGGCCTCCCA[C>A]ATCTCAGACAAGCAGTGCGCAGAGCTGGGCGCCGACATCTGAGGCCCTGTGGCGCCTGCC-3'
Protein context (NP_006758.2, residues 817-837): LLDIIDSLAS[His827Gln]ISDKQCAELG

ClinVar aggregate classification (germline): Uncertain significance. Review status: criteria provided, multiple submitters, no conflicts (2 of 4 stars). 2 submissions from 2 submitters: Uncertain significance (2). Last evaluated 2024-03-26.

Conditions:
Cardiovascular phenotype. Identifiers: MedGen CN230736.
Hereditary cancer-predisposing syndrome. Also called: Neoplastic Syndromes, Hereditary; Hereditary Cancer Syndrome; Tumor predisposition; Hereditary neoplastic syndrome. Identifiers: Orphanet 140162, MedGen C0027672, MeSH D009386, MONDO:0015356.

Submissions (2):

Labcorp Genetics (formerly Invitae), Labcorp
Classification: Uncertain significance. Last evaluated: 2024-03-26. Review status: criteria provided, single submitter. Criteria: Invitae Variant Classification Sherloc (09022015). Collection method: clinical testing. Allele origin: germline.
Comment: This sequence change replaces histidine, which is basic and polar, with glutamine, which is neutral and polar, at codon 827 of the LZTR1 protein (p.His827Gln). This variant is not present in population databases (gnomAD no frequency). This variant has not been reported in the literature in individuals affected with LZTR1-related conditions. ClinVar contains an entry for this variant (Variation ID: 2447760). Advanced modeling of protein sequence and biophysical properties (such as structural, functional, and spatial information, amino acid conservation, physicochemical variation, residue mobility, and thermodynamic stability) performed at Invitae indicates that this missense variant is not expected to disrupt LZTR1 protein function with a negative predictive value of 80%. In summary, the available evidence is currently insufficient to determine the role of this variant in disease. Therefore, it has been classified as a Variant of Uncertain Significance.

Ambry Genetics
Classification: Uncertain significance for Cardiovascular phenotype; Hereditary cancer-predisposing syndrome. Last evaluated: 2023-02-23. Review status: criteria provided, single submitter. Criteria: Ambry Variant Classification Scheme 2023. Collection method: clinical testing. Allele origin: germline.
Comment: The p.H827Q variant (also known as c.2481C>A), located in coding exon 21 of the LZTR1 gene, results from a C to A substitution at nucleotide position 2481. The histidine at codon 827 is replaced by glutamine, an amino acid with highly similar properties. This amino acid position is conserved. In addition, the in silico prediction for this alteration is inconclusive. Since supporting evidence is limited at this time, the clinical significance of this alteration remains unclear.